The following is an entry in ClinVar:

NM_006303.4(AIMP2):c.155T>C (p.Leu52Pro)

Gene: AIMP2 (aminoacyl tRNA synthetase complex interacting multifunctional protein 2; plus strand). Cytogenetic location: 7p22.1.
Variant type: single nucleotide variant.
Coding change: c.155T>C on transcript NM_006303.4 (MANE Select); coding-DNA position 155, T replaced by C.
Protein change: p.Leu52Pro; replaces leucine 52 with proline.
Molecular consequence: missense variant. On other transcripts: 5 prime UTR variant (3), intron variant (1).
Genome position (GRCh38, 1-based): chr7:6,015,165, T>C. VCF-style: chr7-6015165-T-C. GRCh37 (hg19) VCF-style: chr7-6054796-T-C.
Other names: c.35T>C, p.Leu12Pro (NM_001326606.2); c.-80T>C (NM_001326609.2, NM_001326610.2, NM_001326611.3); c.68T>C, p.Leu23Pro (NM_001362785.2); c.23T>C, p.Leu8Pro (NM_001362787.2); c.136-2649T>C (NM_001326607.2); c.155T>C (NM_006303.3); short protein forms L12P, L23P, L52P, L8P.
Identifiers: ClinVar variation 2420547 (VCV002420547.9), dbSNP rs778920772, ClinGen allele CA4150255.

ClinVar aggregate classification (germline): Uncertain significance. Review status: criteria provided, multiple submitters, no conflicts (2 of 4 stars). 2 submissions from 2 submitters: Uncertain significance (2). Last evaluated 2025-10-30.

Conditions:
Inborn genetic diseases. Identifiers: MedGen C0950123, MeSH D030342.

Allele frequency attached by ClinVar (database versions not stated): ExAC 0.00002; gnomAD 0.00002; TOPMed 0.00002; gnomAD exomes 0.00004.
gnomAD v4.1: 60 of 1,614,060 alleles (0.0037%); highest among the groups gnomAD compares: Non-Finnish European, 0.0047%; no homozygotes.

Submissions (2):

Ambry Genetics
Classification: Uncertain significance for Inborn genetic diseases. Last evaluated: 2025-10-30. Review status: criteria provided, single submitter. Criteria: Ambry Variant Classification Scheme 2023. Collection method: clinical testing. Allele origin: germline.

Labcorp Genetics (formerly Invitae), Labcorp
Classification: Uncertain significance. Last evaluated: 2022-03-01. Review status: criteria provided, single submitter. Criteria: Invitae Variant Classification Sherloc (09022015). Collection method: clinical testing. Allele origin: germline.
Comment: This sequence change replaces leucine, which is neutral and non-polar, with proline, which is neutral and non-polar, at codon 52 of the AIMP2 protein (p.Leu52Pro). This variant is present in population databases (rs778920772, gnomAD 0.003%). This variant has not been reported in the literature in individuals affected with AIMP2-related conditions. Algorithms developed to predict the effect of missense changes on protein structure and function are either unavailable or do not agree on the potential impact of this missense change (SIFT: "Deleterious"; PolyPhen-2: "Probably Damaging"; Align-GVGD: "Class C0"). In summary, the available evidence is currently insufficient to determine the role of this variant in disease. Therefore, it has been classified as a Variant of Uncertain Significance.